The following is an entry in ClinVar:

ClinVar aggregate classification (germline): Uncertain significance (1 of 4 stars; one submission).

Conditions:
Hereditary cancer-predisposing syndrome. Also called: Neoplastic Syndromes, Hereditary; Hereditary neoplastic syndrome; Tumor predisposition; Hereditary Cancer Syndrome. Identifiers: Orphanet 140162, MedGen C0027672, MeSH D009386, MONDO:0015356.

Submission:

Ambry Genetics
Classification: Uncertain significance for Hereditary cancer-predisposing syndrome. Last evaluated: 2023-02-16. Review status: criteria provided, single submitter. Criteria: Ambry Variant Classification Scheme 2023. Collection method: clinical testing. Allele origin: germline.
Comment: The p.V991I variant (also known as c.2971G>A), located in coding exon 21 of the PDGFRA gene, results from a G to A substitution at nucleotide position 2971. The valine at codon 991 is replaced by isoleucine, an amino acid with highly similar properties. This amino acid position is conserved. In addition, this alteration is predicted to be tolerated by in silico analysis. Since supporting evidence is limited at this time, the clinical significance of this alteration remains unclear.

NM_006206.6(PDGFRA):c.2971G>A (p.Val991Ile)

Gene: PDGFRA (platelet derived growth factor receptor alpha; plus strand). Cytogenetic location: 4q12.
Variant type: single nucleotide variant.
Coding change: c.2971G>A on transcript NM_006206.6 (MANE Select); coding-DNA position 2971, G replaced by A.
Protein change: p.Val991Ile; replaces valine 991 with isoleucine.
Molecular consequence: missense variant.
Genome position (GRCh38, 1-based): chr4:54,290,403, G>A. VCF-style: chr4-54290403-G-A. GRCh37 (hg19) VCF-style: chr4-55156570-G-A.
Other names: c.3046G>A, p.Val1016Ile (NM_001347828.2); c.2971G>A, p.Val991Ile (NM_001347829.2); c.3010G>A, p.Val1004Ile (NM_001347830.2); short protein forms V1016I, V991I, V1004I.
Identifiers: ClinVar variation 2453872 (VCV002453872.2), dbSNP rs1184746473, ClinGen allele CA356896094.